The following is an entry in ClinVar:

ClinVar aggregate classification (germline): Likely benign. Review status: criteria provided, multiple submitters, no conflicts (2 of 4 stars). 5 submissions from 5 submitters: Likely benign (4). 1 of the submissions does not count toward it. Last evaluated 2026-01-21.

Conditions:
ERCC6L2-related disorder. Also called: ERCC6L2-related condition.
Pancytopenia-developmental delay syndrome. Also called: Bone marrow failure syndrome 2. Identifiers: Orphanet 401764, MedGen C3810350, MONDO:0014317, OMIM 615715.

Allele frequency attached by ClinVar (database versions not stated): gnomAD 0.00074 and 0.00081; ExAC 0.00085; gnomAD exomes 0.00090 and 0.00103; TOPMed 0.00090; ESP Exome Variant Server 0.00100.
gnomAD v4.1: 1,432 of 1,597,872 alleles (0.09%); highest among the groups gnomAD compares: Admixed American, 0.089%; 1 homozygote.

Submissions (5):

Labcorp Genetics (formerly Invitae), Labcorp
Classification: Likely benign. Last evaluated: 2026-01-21. Review status: criteria provided, single submitter. Criteria: Invitae Variant Classification Sherloc (09022015). Collection method: clinical testing. Allele origin: germline.

ARUP Laboratories, Molecular Genetics and Genomics, ARUP Laboratories
Classification: Likely benign for Pancytopenia-developmental delay syndrome. Last evaluated: 2025-01-30. Review status: criteria provided, single submitter. Criteria: ARUP Molecular Germline Variant Investigation Process 2024. Collection method: clinical testing. Allele origin: germline.

Blueprint Genetics
Classification: Likely benign. Last evaluated: 2024-11-19. Review status: criteria provided, single submitter. Criteria: ACMG Guidelines, 2015. Collection method: clinical testing. Allele origin: germline.

CeGaT Center for Human Genetics Tuebingen
Classification: Likely benign. Last evaluated: 2023-11-01. Review status: criteria provided, single submitter. Criteria: CeGaT Center For Human Genetics Tuebingen Variant Classification Criteria Version 2. Collection method: clinical testing. Allele origin: germline. Affected: yes. Observed: 1 variant allele.
Comment: ERCC6L2: BP4

PreventionGenetics, part of Exact Sciences
Classification: Benign for ERCC6L2-related condition. Last evaluated: 2019-08-30. Review status: no assertion criteria provided. Collection method: clinical testing. Allele origin: germline. Not counted in ClinVar's aggregate classification.
Comment: This variant is classified as benign based on ACMG/AMP sequence variant interpretation guidelines (Richards et al. 2015 PMID: 25741868, with internal and published modifications).

NM_020207.7(ERCC6L2):c.1605+8C>T

Gene: ERCC6L2 (ERCC excision repair 6 like 2; plus strand). Cytogenetic location: 9q22.32.
Variant type: single nucleotide variant.
Coding change: c.1605+8C>T on transcript NM_020207.7 (MANE Select); 8 bases into the intron after coding-DNA position 1605, C replaced by T.
Molecular consequence: intron variant.
Genome position (GRCh38, 1-based): chr9:95,928,158, C>T. VCF-style: chr9-95928158-C-T. GRCh37 (hg19) VCF-style: chr9-98690440-C-T.
Other names: c.1605+8C>T (NM_001375291.1, NM_001375292.1, NM_001375294.1 and 2 more transcripts).
Identifiers: ClinVar variation 718346 (VCV000718346.36), dbSNP rs369723293, ClinGen allele CA5139613.